The following is an entry in ClinVar:

NM_001135649.3(FOXI3):c.205G>C (p.Ala69Pro)

Gene: FOXI3 (forkhead box I3; minus strand). Cytogenetic location: 2p11.2.
Variant type: single nucleotide variant.
Coding change: c.205G>C on transcript NM_001135649.3 (MANE Select); coding-DNA position 205, G replaced by C.
Protein change: p.Ala69Pro; replaces alanine 69 with proline.
Molecular consequence: missense variant.
Genome position (GRCh38, 1-based): chr2:88,452,331, C>G on the plus strand (G>C on the coding strand, the complement: FOXI3 is on the minus strand). VCF-style: chr2-88452331-C-G. GRCh37 (hg19) VCF-style: chr2-88751849-C-G.
Other names: short protein forms A69P.
Identifiers: ClinVar variation 2037402 (VCV002037402.4), dbSNP rs2528917568, ClinGen allele CA347766840.

ClinVar aggregate classification (germline): Uncertain significance (1 of 4 stars; one submission).

Submission:

Labcorp Genetics (formerly Invitae), Labcorp
Classification: Uncertain significance. Last evaluated: 2025-02-17. Review status: criteria provided, single submitter. Criteria: Invitae Variant Classification Sherloc (09022015). Collection method: clinical testing. Allele origin: germline.
Comment: This sequence change replaces alanine, which is neutral and non-polar, with proline, which is neutral and non-polar, at codon 69 of the FOXI3 protein (p.Ala69Pro). The frequency data for this variant in the population databases is considered unreliable, as metrics indicate insufficient coverage at this position in the gnomAD database. This variant has not been reported in the literature in individuals affected with FOXI3-related conditions. ClinVar contains an entry for this variant (Variation ID: 2037402). Experimental studies and prediction algorithms are not available or were not evaluated, and the functional significance of this variant is currently unknown. In summary, the available evidence is currently insufficient to determine the role of this variant in disease. Therefore, it has been classified as a Variant of Uncertain Significance.